The following is an entry in ClinVar:

ClinVar aggregate classification (germline): Uncertain significance (1 of 4 stars; one submission).

Conditions:
Autosomal dominant limb-girdle muscular dystrophy type 1D (DNAJB6) (LGMDD1). Also called: MUSCULAR DYSTROPHY, LIMB-GIRDLE, TYPE 1D; MUSCULAR DYSTROPHY, AUTOSOMAL DOMINANT, WITH RIMMED VACUOLES; Autosomal dominant limb-girdle muscular dystrophy type 1D; Muscular dystrophy, limb-girdle, autosomal dominant 1. Identifiers: Orphanet 34516, MedGen C4721885, MONDO:0021018, OMIM 603511.

gnomAD v4.1: 2 of 1,529,438 alleles (0.00013%); highest among the groups gnomAD compares: Non-Finnish European, 0.00018%; no homozygotes.

Submission:

Labcorp Genetics (formerly Invitae), Labcorp
Classification: Uncertain significance for Autosomal dominant limb-girdle muscular dystrophy type 1D (DNAJB6). Last evaluated: 2024-08-09. Review status: criteria provided, single submitter. Criteria: Invitae Variant Classification Sherloc (09022015). Collection method: clinical testing. Allele origin: germline.
Comment: This sequence change replaces aspartic acid, which is acidic and polar, with glycine, which is neutral and non-polar, at codon 236 of the DNAJB6 protein (p.Asp236Gly). This variant is not present in population databases (gnomAD no frequency). This variant has not been reported in the literature in individuals affected with DNAJB6-related conditions. Advanced modeling of protein sequence and biophysical properties (such as structural, functional, and spatial information, amino acid conservation, physicochemical variation, residue mobility, and thermodynamic stability) performed at Invitae indicates that this missense variant is not expected to disrupt DNAJB6 protein function with a negative predictive value of 80%. In summary, the available evidence is currently insufficient to determine the role of this variant in disease. Therefore, it has been classified as a Variant of Uncertain Significance.

NM_058246.4(DNAJB6):c.707A>G (p.Asp236Gly)

Gene: DNAJB6 (DnaJ heat shock protein family (Hsp40) member B6; plus strand). Cytogenetic location: 7q36.3.
Variant type: single nucleotide variant.
Coding change: c.707A>G on transcript NM_058246.4 (MANE Select); coding-DNA position 707, A replaced by G.
Protein change: p.Asp236Gly; replaces aspartic acid 236 with glycine.
Molecular consequence: missense variant.
Genome position (GRCh38, 1-based): chr7:157,409,810, A>G. VCF-style: chr7-157409810-A-G. GRCh37 (hg19) VCF-style: chr7-157202504-A-G.
Other names: c.362A>G, p.Asp121Gly (NM_001363676.1); short protein forms D236G, D121G.
Identifiers: ClinVar variation 3661856 (VCV003661856.2).